The following is an entry in ClinVar:

NM_000834.5(GRIN2B):c.2456C>T (p.Ala819Val)

Gene: GRIN2B (glutamate ionotropic receptor NMDA type subunit 2B; minus strand). Cytogenetic location: 12p13.1.
Variant type: single nucleotide variant.
Coding change: c.2456C>T on transcript NM_000834.5 (MANE Select); coding-DNA position 2456, C replaced by T.
Protein change: p.Ala819Val; replaces alanine 819 with valine.
Molecular consequence: missense variant.
Genome position (GRCh38, 1-based): chr12:13,567,167, G>A on the plus strand (C>T on the coding strand, the complement: GRIN2B is on the minus strand). VCF-style: chr12-13567167-G-A. GRCh37 (hg19) VCF-style: chr12-13720101-G-A.
Other names: c.2456C>T, p.Ala819Val (NM_001413992.1); short protein forms A819V.
Identifiers: ClinVar variation 2947072 (VCV002947072.3), dbSNP rs2497476072, ClinGen allele CA383996394.
Genomic context (GRCh38, chr12:13,567,167, plus strand): 5'-TCGCAGATGAAGGTGATGAGGCTGAGAGCCATGGCCGCCCCCAACATGTAGAAGACCCCT[G>A]CCATGTTGTCAATGTCCAGCTGGCTGCTCATGACCTCATTCTTCTCATTGTGACAAATGC-3'
Protein context (NP_000825.2, residues 809-829): MSSQLDIDNM[Ala819Val]GVFYMLGAAM

ClinVar aggregate classification (germline): Likely pathogenic (1 of 4 stars; one submission).

Conditions:
Intellectual developmental disorder, autosomal dominant 6, with or without seizures. Also called: GRIN2B-related developmental delay, intellectual disability and autism spectrum disorder; Intellectual disability, autosomal dominant 6. Identifiers: Orphanet 589547, MedGen C3151411, MONDO:0013509, OMIM 613970.
Developmental and epileptic encephalopathy, 27 (DEE27). Also called: Epileptic encephalopathy, early infantile, 27; GRIN2B-Related Neurodevelopmental Disorder. Identifiers: Orphanet 3451, MedGen C4015316, MONDO:0014505, OMIM 616139.

Submission:

Labcorp Genetics (formerly Invitae), Labcorp
Classification: Likely pathogenic for Developmental and epileptic encephalopathy, 27; Intellectual developmental disorder, autosomal dominant 6, with or without seizures. Last evaluated: 2023-04-24. Review status: criteria provided, single submitter. Criteria: Invitae Variant Classification Sherloc (09022015). Collection method: clinical testing. Allele origin: germline.
Comment: In summary, the currently available evidence indicates that the variant is pathogenic, but additional data are needed to prove that conclusively. Therefore, this variant has been classified as Likely Pathogenic. This variant disrupts the p.Ala819 amino acid residue in GRIN2B. Other variant(s) that disrupt this residue have been determined to be pathogenic (PMID: 28377535). This suggests that this residue is clinically significant, and that variants that disrupt this residue are likely to be disease-causing. Algorithms developed to predict the effect of sequence changes on RNA splicing suggest that this variant may create or strengthen a splice site. Advanced modeling of protein sequence and biophysical properties (such as structural, functional, and spatial information, amino acid conservation, physicochemical variation, residue mobility, and thermodynamic stability) performed at Invitae indicates that this missense variant is expected to disrupt GRIN2B protein function. This missense change has been observed in individual(s) with clinical features of developmental and epileptic encephalopathy (Invitae). This variant is not present in population databases (gnomAD no frequency). This sequence change replaces alanine, which is neutral and non-polar, with valine, which is neutral and non-polar, at codon 819 of the GRIN2B protein (p.Ala819Val).

Literature cited by the submitters: PubMed 28377535.